The following is an entry in ClinVar:

ClinVar aggregate classification (germline): Uncertain significance (1 of 4 stars; one submission).

gnomAD v4.1: 1 of 1,613,634 alleles (0.000062%); highest among the groups gnomAD compares: Non-Finnish European, 0.000085%; no homozygotes.

Submission:

GeneDx
Classification: Uncertain significance. Last evaluated: 2024-10-10. Review status: criteria provided, single submitter. Criteria: GeneDx Variant Classification Process June 2021. Collection method: clinical testing. Allele origin: germline. Affected: yes.
Comment: Not observed at significant frequency in large population cohorts (gnomAD); In silico analysis indicates that this missense variant does not alter protein structure/function; Has not been previously published as pathogenic or benign to our knowledge

NM_206933.4(USH2A):c.3358A>G (p.Lys1120Glu)

Genes: USH2A-AS1 (USH2A antisense RNA 1; plus strand), USH2A (usherin; minus strand). Cytogenetic location: 1q41.
Variant type: single nucleotide variant.
Coding change: c.3358A>G on transcript NM_206933.4 (MANE Select); coding-DNA position 3358, A replaced by G.
Protein change: p.Lys1120Glu; replaces lysine 1120 with glutamic acid.
Molecular consequence: missense variant.
Genome position (GRCh38, 1-based): chr1:216,200,080, T>C on the plus strand (A>G on the coding strand, the complement: USH2A is on the minus strand). VCF-style: chr1-216200080-T-C. GRCh37 (hg19) VCF-style: chr1-216373422-T-C.
Other names: c.3358A>G, p.Lys1120Glu (NM_007123.6); short protein forms K1120E.
Identifiers: ClinVar variation 3777541 (VCV003777541.1).